The following is an entry in ClinVar:

ClinVar aggregate classification (germline): Uncertain significance (1 of 4 stars; one submission).

Allele frequency attached by ClinVar (database versions not stated): ExAC 0.00002; gnomAD 0.00003; gnomAD exomes 0.00003; ESP Exome Variant Server 0.00008.
gnomAD v4.1: 44 of 1,613,968 alleles (0.0027%); highest among the groups gnomAD compares: Middle Eastern, 0.016%; no homozygotes.

Submission:

Labcorp Genetics (formerly Invitae), Labcorp
Classification: Uncertain significance. Last evaluated: 2023-06-20. Review status: criteria provided, single submitter. Criteria: Invitae Variant Classification Sherloc (09022015). Collection method: clinical testing. Allele origin: germline.
Comment: This sequence change replaces serine, which is neutral and polar, with leucine, which is neutral and non-polar, at codon 1047 of the FAT2 protein (p.Ser1047Leu). This variant is present in population databases (rs373313720, gnomAD 0.006%). This variant has not been reported in the literature in individuals affected with FAT2-related conditions. Advanced modeling of protein sequence and biophysical properties (such as structural, functional, and spatial information, amino acid conservation, physicochemical variation, residue mobility, and thermodynamic stability) performed at Invitae indicates that this missense variant is not expected to disrupt FAT2 protein function. In summary, the available evidence is currently insufficient to determine the role of this variant in disease. Therefore, it has been classified as a Variant of Uncertain Significance.

NM_001447.3(FAT2):c.3140C>T (p.Ser1047Leu)

Gene: FAT2 (FAT atypical cadherin 2; minus strand). Cytogenetic location: 5q33.1.
Variant type: single nucleotide variant.
Coding change: c.3140C>T on transcript NM_001447.3 (MANE Select); coding-DNA position 3140, C replaced by T.
Protein change: p.Ser1047Leu; replaces serine 1047 with leucine.
Molecular consequence: missense variant.
Genome position (GRCh38, 1-based): chr5:151,565,792, G>A on the plus strand (C>T on the coding strand, the complement: FAT2 is on the minus strand). VCF-style: chr5-151565792-G-A. GRCh37 (hg19) VCF-style: chr5-150945353-G-A.
Other names: short protein forms S1047L.
Identifiers: ClinVar variation 2984176 (VCV002984176.3), dbSNP rs373313720, ClinGen allele CA3521911.
Genomic context (GRCh38, chr5:151,565,792, plus strand): 5'-AGCTCCCCATCCAAGCCACTGTCATCGTCCTGGGCAGCCACTACAATCACCTGAGTTCCC[G>A]AGGGGCTGTTCTCCTGCACCTGGCCCTGGTGCACGAAGGAGGCAAAGTGGGGAGGGTGGA-3'
Protein context (NP_001438.1, residues 1037-1057): HQGQVQENSP[Ser1047Leu]GTQVIVVAAQ